The following is an entry in ClinVar:

ClinVar aggregate classification (germline): Uncertain significance (1 of 4 stars; one submission).

Allele frequency attached by ClinVar (database versions not stated): TOPMed below 0.00001; gnomAD 0.00001.

Submission:

Labcorp Genetics (formerly Invitae), Labcorp
Classification: Uncertain significance. Last evaluated: 2021-08-28. Review status: criteria provided, single submitter. Criteria: Invitae Variant Classification Sherloc (09022015). Collection method: clinical testing. Allele origin: germline.
Comment: This sequence change replaces glycine with arginine at codon 120 of the AP1S1 protein (p.Gly120Arg). The glycine residue is moderately conserved and there is a moderate physicochemical difference between glycine and arginine. This variant is present in population databases (rs759314885, ExAC 0.003%). This variant has not been reported in the literature in individuals affected with AP1S1-related conditions. Algorithms developed to predict the effect of missense changes on protein structure and function are either unavailable or do not agree on the potential impact of this missense change (SIFT: "Tolerated"; PolyPhen-2: "Possibly Damaging"; Align-GVGD: "Class C0"). In summary, the available evidence is currently insufficient to determine the role of this variant in disease. Therefore, it has been classified as a Variant of Uncertain Significance.

NM_001283.5(AP1S1):c.358G>C (p.Gly120Arg)

Gene: AP1S1 (adaptor related protein complex 1 subunit sigma 1; plus strand). Cytogenetic location: 7q22.1.
Variant type: single nucleotide variant.
Coding change: c.358G>C on transcript NM_001283.5 (MANE Select); coding-DNA position 358, G replaced by C.
Protein change: p.Gly120Arg; replaces glycine 120 with arginine.
Molecular consequence: missense variant.
Genome position (GRCh38, 1-based): chr7:101,159,125, G>C. VCF-style: chr7-101159125-G-C. GRCh37 (hg19) VCF-style: chr7-100802406-G-C.
Other names: short protein forms G120R.
Identifiers: ClinVar variation 1001344 (VCV001001344.6), dbSNP rs759314885, ClinGen allele CA4405989.